The following is an entry in ClinVar:

NM_198576.4(AGRN):c.5092C>A (p.Arg1698Ser)

Gene: AGRN (agrin; plus strand). Cytogenetic location: 1p36.33.
Variant type: single nucleotide variant.
Coding change: c.5092C>A on transcript NM_198576.4 (MANE Select); coding-DNA position 5092, C replaced by A.
Protein change: p.Arg1698Ser; replaces arginine 1698 with serine.
Molecular consequence: missense variant.
Genome position (GRCh38, 1-based): chr1:1,050,542, C>A. VCF-style: chr1-1050542-C-A. GRCh37 (hg19) VCF-style: chr1-985922-C-A.
Other names: c.5092C>A, p.Arg1698Ser (NM_001305275.2); c.4777C>A, p.Arg1593Ser (NM_001364727.2); short protein forms R1593S, R1698S.
Identifiers: ClinVar variation 2107744 (VCV002107744.3), dbSNP rs771576402, ClinGen allele CA16701167.
Genomic context (GRCh38, chr1:1,050,542, plus strand): 5'-CTCTACAACGGGCAGAAGACGGACGGCAAGGGGGACTTCGTGTCGCTGGCACTGCGGGAC[C>A]GCCGCCTGGAGTTCCGCTACGACCTGGGCAAGGGGGCAGCGGTCATCAGGTGGGCCGGCA-3'
Protein context (NP_940978.2, residues 1688-1708): GDFVSLALRD[Arg1698Ser]RLEFRYDLGK

ClinVar aggregate classification (germline): Uncertain significance (1 of 4 stars; one submission).

Conditions:
Congenital myasthenic syndrome 8. Also called: MYASTHENIC SYNDROME, CONGENITAL, DUE TO AGRIN DEFICIENCY; Myasthenic syndrome, congenital, 8, with pre- and postsynaptic defects. Identifiers: Orphanet 590, MedGen C3808739, MONDO:0014052, OMIM 615120.

Allele frequency attached by ClinVar (database versions not stated): gnomAD 0.00003.

Submission:

Labcorp Genetics (formerly Invitae), Labcorp
Classification: Uncertain significance for Congenital myasthenic syndrome 8. Last evaluated: 2022-03-09. Review status: criteria provided, single submitter. Criteria: Invitae Variant Classification Sherloc (09022015). Collection method: clinical testing. Allele origin: germline.
Comment: Algorithms developed to predict the effect of missense changes on protein structure and function are either unavailable or do not agree on the potential impact of this missense change (SIFT: "Tolerated"; PolyPhen-2: "Possibly Damaging"; Align-GVGD: "Class C0"). This sequence change replaces arginine, which is basic and polar, with serine, which is neutral and polar, at codon 1698 of the AGRN protein (p.Arg1698Ser). This variant is present in population databases (no rsID available, gnomAD 0.01%). This variant has not been reported in the literature in individuals affected with AGRN-related conditions. In summary, the available evidence is currently insufficient to determine the role of this variant in disease. Therefore, it has been classified as a Variant of Uncertain Significance.